The following is an entry in ClinVar:

ClinVar aggregate classification (germline): Pathogenic (1 of 4 stars; one submission).

Conditions:
Alzheimer disease 9. Also called: ALZHEIMER DISEASE 9, SUSCEPTIBILITY TO; ALZHEIMER DISEASE 9, LATE-ONSET. Identifiers: MedGen C4282179, MONDO:0012153, OMIM 608907.

Submissions (3):

Institute of Immunology and Genetics Kaiserslautern
Classification: Pathogenic for Alzheimer disease 9. Last evaluated: 2026-02-04. Review status: criteria provided, single submitter. Criteria: ACMG Guidelines, 2015. Collection method: clinical testing. Allele origin: germline.
Comment: ACMG Criteria: PVS1, PS4_P, PM2_P; Variant was found in heterozygous state.

Dr. Peter K. Rogan Lab, Western University
No classification provided (evidence only). Condition: Clear cell carcinoma of kidney. Review status: no classification provided. Collection method: in vitro. Allele origin: not applicable. Functional consequence: retained intron. Not counted in ClinVar's aggregate classification.

Dr. Peter K. Rogan Lab, Western University
No classification provided (evidence only). Condition: Sarcoma. Review status: no classification provided. Collection method: in vitro. Allele origin: not applicable. Functional consequence: retained intron. Not counted in ClinVar's aggregate classification.

NM_019112.4(ABCA7):c.67-1G>A

Gene: ABCA7 (ATP binding cassette subfamily A member 7; plus strand). Cytogenetic location: 19p13.3.
Variant type: single nucleotide variant.
Coding change: c.67-1G>A on transcript NM_019112.4 (MANE Select); the canonical splice acceptor site of the intron before coding-DNA position 67, G replaced by A.
Molecular consequence: splice acceptor variant.
Genome position (GRCh38, 1-based): chr19:1,041,509, G>A. VCF-style: chr19-1041509-G-A. GRCh37 (hg19) VCF-style: chr19-1041508-G-A.
Other names: NC_000019.9:g.1041508G>A.
Identifiers: ClinVar variation 4433425 (VCV004433425.2).